The following is an entry in ClinVar:

ClinVar aggregate classification (germline): Benign/Likely benign. Review status: criteria provided, multiple submitters, no conflicts (2 of 4 stars). 4 submissions from 3 submitters: Benign (2); Likely benign (2). Last evaluated 2022-09-01.

Conditions:
Gastrointestinal stromal tumor. Also called: Gastrointestinal stromal tumor, somatic; Gastrointestinal stroma tumor. Identifiers: Orphanet 44890, MedGen C0238198, MeSH D046152, MONDO:0011719, OMIM 606764, HP:0100723.
Idiopathic hypereosinophilic syndrome (HES). Identifiers: Orphanet 3260, MedGen C0206141, MONDO:0011895, OMIM 607685. Disease mechanism: gain of function.

Allele frequency attached by ClinVar (database versions not stated): 1000 Genomes Project 30x 0.00094; TOPMed 0.00153; 1000 Genomes Project 0.00060; gnomAD 0.00121.

Submissions (4):

CeGaT Center for Human Genetics Tuebingen
Classification: Benign. Last evaluated: 2022-09-01. Review status: criteria provided, single submitter. Criteria: CeGaT Center For Human Genetics Tuebingen Variant Classification Criteria Version 2. Collection method: clinical testing. Allele origin: germline. Affected: yes. Observed: 3 variant alleles.
Comment: PDGFRA: BS1, BS2

Illumina Laboratory Services, Illumina
Classification: Likely benign for Gastrointestinal stromal tumor. Last evaluated: 2018-01-13. Review status: criteria provided, single submitter. Criteria: ICSL Variant Classification Criteria 13 December 2019. Collection method: clinical testing. Allele origin: germline.
Comment: This variant was observed in the ICSL laboratory as part of a predisposition screen in an ostensibly healthy population. It had not been previously curated by ICSL or reported in the Human Gene Mutation Database (HGMD: prior to June 1st, 2018), and was therefore a candidate for classification through an automated scoring system. Utilizing variant allele frequency, disease prevalence and penetrance estimates, and inheritance mode, an automated score was calculated to assess if this variant is too frequent to cause the disease. Based on the score and internal cut-off values, a variant classified as likely benign is not then subjected to further curation. The score for this variant resulted in a classification of likely benign for this disease.

Illumina Laboratory Services, Illumina
Classification: Benign for Idiopathic hypereosinophilic syndrome. Last evaluated: 2018-01-13. Review status: criteria provided, single submitter. Criteria: ICSL Variant Classification Criteria 13 December 2019. Collection method: clinical testing. Allele origin: germline.
Comment: This variant was observed in the ICSL laboratory as part of a predisposition screen in an ostensibly healthy population. It had not been previously curated by ICSL or reported in the Human Gene Mutation Database (HGMD: prior to June 1st, 2018), and was therefore a candidate for classification through an automated scoring system. Utilizing variant allele frequency, disease prevalence and penetrance estimates, and inheritance mode, an automated score was calculated to assess if this variant is too frequent to cause the disease. Based on the score and internal cut-off values, a variant classified as benign is not then subjected to further curation. The score for this variant resulted in a classification of benign for this disease.

Breakthrough Genomics
Classification: Likely benign. Review status: criteria provided, single submitter. Criteria: ACMG Guidelines, 2015. Collection method: not provided. Allele origin: germline. Inheritance: Autosomal dominant inheritance. Affected: yes.

NM_006206.4(PDGFRA):c.-284G>A

Gene: PDGFRA (platelet derived growth factor receptor alpha; plus strand). Cytogenetic location: 4q12.
Variant type: single nucleotide variant.
Coding change: c.-284G>A on transcript NM_006206.4; 284 bases upstream of the start codon, G replaced by A.
Genome position (GRCh38, 1-based): chr4:54,229,144, G>A. VCF-style: chr4-54229144-G-A. GRCh37 (hg19) VCF-style: chr4-55095311-G-A.
Identifiers: ClinVar variation 348890 (VCV000348890.30), dbSNP rs145549583, ClinGen allele CA10618775.